The following is an entry in ClinVar:

NM_000548.5(TSC2):c.3316A>T (p.Lys1106Ter)

Gene: TSC2 (TSC complex subunit 2; plus strand). Cytogenetic location: 16p13.3.
Variant type: single nucleotide variant.
Coding change: c.3316A>T on transcript NM_000548.5 (MANE Select); coding-DNA position 3316, A replaced by T.
Protein change: p.Lys1106Ter; replaces lysine 1106 with a stop codon.
Molecular consequence: nonsense.
Genome position (GRCh38, 1-based): chr16:2,079,588, A>T. VCF-style: chr16-2079588-A-T. GRCh37 (hg19) VCF-style: chr16-2129589-A-T.
Other names: c.3184A>T, p.Lys1062Ter (NM_001077183.3, NM_001370404.1); c.3316A>T, p.Lys1106Ter (NM_001114382.3); c.3076A>T, p.Lys1026Ter (NM_001318827.2); c.3040A>T, p.Lys1014Ter (NM_001318829.2); c.2584A>T, p.Lys862Ter (NM_001318831.2); c.3217A>T, p.Lys1073Ter (NM_001318832.2); c.3187A>T, p.Lys1063Ter (NM_001363528.2, NM_001370405.1, NM_021055.3); short protein forms K1014*, K1026*, K1062*, K1063*, K1073*, K1106*, K862*.
Identifiers: ClinVar variation 1072867 (VCV001072867.9), dbSNP rs2151445155, ClinGen allele CA394286576.
Genomic context (GRCh38, chr16:2,079,588, plus strand): 5'-CCACCCTGTGCGTGGGATTCTCTTCTCAGCTCCAGCCCCGGGGTGCATGTGAGACAGACC[A>T]AGGAGGCGCCGGCCAAGCTGGAGTCCCAGGCTGGGCAGCAGGTGTCCCGTGGGGCCCGGG-3'

ClinVar aggregate classification (germline): Pathogenic (1 of 4 stars; one submission).

Conditions:
Tuberous sclerosis 2 (TSC2). Identifiers: Orphanet 805, MedGen C1860707, MONDO:0013199, OMIM 613254.

Submission:

Labcorp Genetics (formerly Invitae), Labcorp
Classification: Pathogenic for Tuberous sclerosis 2. Last evaluated: 2020-05-13. Review status: criteria provided, single submitter. Criteria: Invitae Variant Classification Sherloc (09022015). Collection method: clinical testing. Allele origin: germline.
Comment: For these reasons, this variant has been classified as Pathogenic. Loss-of-function variants in TSC2 are known to be pathogenic (PMID: 10205261, 17304050). This variant has been observed in individual(s) with tuberous sclerosis (PMID: 29476190). In at least one individual the variant was observed to be de novo. This variant is not present in population databases (ExAC no frequency). This sequence change creates a premature translational stop signal (p.Lys1106*) in the TSC2 gene. It is expected to result in an absent or disrupted protein product.

Literature cited by the submitters: PubMed 10205261; PubMed 17304050; PubMed 29476190.